The following is an entry in ClinVar:

ClinVar aggregate classification (germline): Pathogenic (0 of 4 stars; one submission).

Conditions:
Breast-ovarian cancer, familial, susceptibility to, 1 (BROVCA1). Also called: BRCA1 Hereditary Breast and Ovarian Cancer; OVARIAN CANCER, SUSCEPTIBILITY TO. Identifiers: Orphanet 145, MedGen C2676676, MONDO:0011450, OMIM 604370. Disease mechanism: loss of function.

Submissions (2):

Sharing Clinical Reports Project (SCRP)
Classification: Pathogenic for Breast-ovarian cancer, familial 1. Last evaluated: 2010-07-15. Review status: no assertion criteria provided. Collection method: clinical testing. Allele origin: germline.

Brotman Baty Institute, University of Washington
No classification provided (evidence only). Condition: Breast-ovarian cancer, familial 1. Review status: no classification provided. Collection method: in vitro. Allele origin: not applicable. Functional consequence: functionally_abnormal. Not counted in ClinVar's aggregate classification.
ClinVar note: "not provided" was previously submitted as the classification for the variant. However, the classification appeared to be based only on an observation of functional data so it was converted to no classification on 2025-07-30.

NM_007294.4(BRCA1):c.77T>A (p.Ile26Asn)

Gene: BRCA1 (BRCA1 DNA repair associated; minus strand). Cytogenetic location: 17q21.31.
Variant type: single nucleotide variant.
Coding change: c.77T>A on transcript NM_007294.4 (MANE Select); coding-DNA position 77, T replaced by A.
Protein change: p.Ile26Asn; replaces isoleucine 26 with asparagine.
Molecular consequence: missense variant. On other transcripts: 5 prime UTR variant (1), non-coding transcript variant (1).
Genome position (GRCh38, 1-based): chr17:43,124,020, A>T on the plus strand (T>A on the coding strand, the complement: BRCA1 is on the minus strand). VCF-style: chr17-43124020-A-T. GRCh37 (hg19) VCF-style: chr17-41276037-A-T.
Other names: C27S; 196T>A; c.77T>A, p.Ile26Asn (NM_001407688.1, NM_001407689.1, NM_001407690.1 and 193 more transcripts); c.-181T>A (NM_001407694.1, NM_001407724.1, NM_001407727.1 and 11 more transcripts); c.-185T>A (NM_001407695.1, NM_001408465.1); c.-326T>A (NM_001407696.1); c.-210T>A (NM_001407697.1, NM_001407846.1, NM_001407920.1); c.-11T>A (NM_001407698.1, NM_001407732.1, NM_001407736.1 and 23 more transcripts); and 10 more; short protein forms I26N.
Identifiers: ClinVar variation 252890 (VCV000252890.5), dbSNP rs879255496, ClinGen allele CA10586118.